The following is an entry in ClinVar:

NM_005428.4(VAV1):c.775G>A (p.Gly259Ser)

Gene: VAV1 (vav guanine nucleotide exchange factor 1; plus strand). Cytogenetic location: 19p13.3.
Variant type: single nucleotide variant.
Coding change: c.775G>A on transcript NM_005428.4 (MANE Select); coding-DNA position 775, G replaced by A.
Protein change: p.Gly259Ser; replaces glycine 259 with serine.
Molecular consequence: missense variant.
Genome position (GRCh38, 1-based): chr19:6,825,354, G>A. VCF-style: chr19-6825354-G-A. GRCh37 (hg19) VCF-style: chr19-6825365-G-A.
Other names: c.775G>A, p.Gly259Ser (NM_001258206.2); c.679G>A, p.Gly227Ser (NM_001258207.2); short protein forms G227S, G259S.
Identifiers: ClinVar variation 2086398 (VCV002086398.4), dbSNP rs768614314, ClinGen allele CA9132345.

ClinVar aggregate classification (germline): Uncertain significance (1 of 4 stars; one submission).

Allele frequency attached by ClinVar (database versions not stated): ExAC 0.00001; TOPMed 0.00002.
gnomAD v4.1: 4 of 1,613,744 alleles (0.00025%); highest among the groups gnomAD compares: Admixed American, 0.0017%; no homozygotes.

Submission:

Labcorp Genetics (formerly Invitae), Labcorp
Classification: Uncertain significance. Last evaluated: 2022-08-19. Review status: criteria provided, single submitter. Criteria: Invitae Variant Classification Sherloc (09022015). Collection method: clinical testing. Allele origin: germline.
Comment: This sequence change replaces glycine, which is neutral and non-polar, with serine, which is neutral and polar, at codon 259 of the VAV1 protein (p.Gly259Ser). This variant is present in population databases (rs768614314, gnomAD 0.004%). This variant has not been reported in the literature in individuals affected with VAV1-related conditions. Algorithms developed to predict the effect of missense changes on protein structure and function output the following: SIFT: "Tolerated"; PolyPhen-2: "Benign"; Align-GVGD: "Class C0". The serine amino acid residue is found in multiple mammalian species, which suggests that this missense change does not adversely affect protein function. In summary, the available evidence is currently insufficient to determine the role of this variant in disease. Therefore, it has been classified as a Variant of Uncertain Significance.